The following is an entry in ClinVar:

NM_138295.5(PKD1L1):c.7422G>A (p.Val2474=)

Genes: PKD1L1 (polycystin 1 like 1, transient receptor potential channel interacting; minus strand), PKD1L1-AS1 (PKD1L1 antisense RNA 1; plus strand). Cytogenetic location: 7p12.3.
Variant type: single nucleotide variant.
Coding change: c.7422G>A on transcript NM_138295.5 (MANE Select); coding-DNA position 7422, G replaced by A.
Protein change: p.Val2474=; no amino-acid change (valine 2474 retained).
Molecular consequence: synonymous variant.
Genome position (GRCh38, 1-based): chr7:47,811,976, C>T on the plus strand (G>A on the coding strand, the complement: PKD1L1 is on the minus strand). VCF-style: chr7-47811976-C-T. GRCh37 (hg19) VCF-style: chr7-47851574-C-T.
Identifiers: ClinVar variation 4996045 (VCV004996045.1).
Genomic context (GRCh38, chr7:47,811,976, plus strand): 5'-CTCCACTCTCAGGGACACGCTGGTGAAGAGTTGGGTTGGAGGGTTATAGAGAGTGAAGTG[C>T]ACAGACACAGCCCTGGTGCTGCGGTCAATCCACATGCTGGCCCTGAGTCGGGACAGGGCT-3'
Protein context (NP_612152.1, residues 2464-2484): WIDRSTRAVS[Val2474=]HFTLYNPPTQ

ClinVar aggregate classification (germline): Likely benign (1 of 4 stars; one submission).

Conditions:
PKD1L1-related disorder. Also called: PKD1L1-related condition.

Submission:

PreventionGenetics, part of Exact Sciences
Classification: Likely benign for PKD1L1-related condition. Last evaluated: 2026-08-25. Review status: criteria provided, single submitter. Criteria: ACMG Guidelines, 2015. Collection method: clinical testing. Allele origin: germline.
Comment: This variant is classified as likely benign based on ACMG/AMP sequence variant interpretation guidelines (Richards et al. 2015 PMID: 25741868, with internal and published modifications).